The following is an entry in ClinVar:

ClinVar aggregate classification (germline): Uncertain significance. Review status: criteria provided, multiple submitters, no conflicts (2 of 4 stars). 2 submissions from 2 submitters: Uncertain significance (2). Last evaluated 2025-03-26.

Conditions:
Adams-Oliver syndrome 5 (AOS5). Identifiers: Orphanet 974, MedGen C4014970, MONDO:0014459, OMIM 616028.
Familial thoracic aortic aneurysm and aortic dissection (TAAD). Also called: Thoracic aortic aneurysms and dissections. Identifiers: Orphanet 91387, MedGen C4707243, MONDO:0019625.

gnomAD v4.1: 5 of 1,563,388 alleles (0.00032%); highest among the groups gnomAD compares: Non-Finnish European, 0.00043%; no homozygotes.

Submissions (2):

Labcorp Genetics (formerly Invitae), Labcorp
Classification: Uncertain significance for Adams-Oliver syndrome 5. Last evaluated: 2025-03-26. Review status: criteria provided, single submitter. Criteria: Invitae Variant Classification Sherloc (09022015). Collection method: clinical testing. Allele origin: germline.
Comment: This sequence change replaces leucine, which is neutral and non-polar, with methionine, which is neutral and non-polar, at codon 1008 of the NOTCH1 protein (p.Leu1008Met). This variant is not present in population databases (gnomAD no frequency). This variant has not been reported in the literature in individuals affected with NOTCH1-related conditions. ClinVar contains an entry for this variant (Variation ID: 3406840). Invitae Evidence Modeling of protein sequence and biophysical properties (such as structural, functional, and spatial information, amino acid conservation, physicochemical variation, residue mobility, and thermodynamic stability) indicates that this missense variant is not expected to disrupt NOTCH1 protein function with a negative predictive value of 80%. In summary, the available evidence is currently insufficient to determine the role of this variant in disease. Therefore, it has been classified as a Variant of Uncertain Significance.

Ambry Genetics
Classification: Uncertain significance for Familial thoracic aortic aneurysm and aortic dissection. Last evaluated: 2024-09-20. Review status: criteria provided, single submitter. Criteria: Ambry Variant Classification Scheme 2023. Collection method: clinical testing. Allele origin: germline.
Comment: The p.L1008M variant (also known as c.3022C>A), located in coding exon 19 of the NOTCH1 gene, results from a C to A substitution at nucleotide position 3022. The leucine at codon 1008 is replaced by methionine, an amino acid with highly similar properties. This amino acid position is conserved. In addition, this alteration is predicted to be tolerated by in silico analysis. Based on the available evidence, the clinical significance of this variant remains unclear.

NM_017617.5(NOTCH1):c.3022C>A (p.Leu1008Met)

Gene: NOTCH1 (notch receptor 1; minus strand). Cytogenetic location: 9q34.3.
Variant type: single nucleotide variant.
Coding change: c.3022C>A on transcript NM_017617.5 (MANE Select); coding-DNA position 3022, C replaced by A.
Protein change: p.Leu1008Met; replaces leucine 1008 with methionine.
Molecular consequence: missense variant.
Genome position (GRCh38, 1-based): chr9:136,509,019, G>T on the plus strand (C>A on the coding strand, the complement: NOTCH1 is on the minus strand). VCF-style: chr9-136509019-G-T. GRCh37 (hg19) VCF-style: chr9-139403471-G-T.
Other names: short protein forms L1008M.
Identifiers: ClinVar variation 3406840 (VCV003406840.2).